The following is an entry in ClinVar:

ClinVar aggregate classification (germline): Uncertain significance (1 of 4 stars; one submission).

Conditions:
Inborn genetic diseases. Identifiers: MedGen C0950123, MeSH D030342.

Submission:

Ambry Genetics
Classification: Uncertain significance for Inborn genetic diseases. Last evaluated: 2025-12-29. Review status: criteria provided, single submitter. Criteria: Ambry Variant Classification Scheme 2023. Collection method: clinical testing. Allele origin: germline.
Comment: The p.K454Q variant (also known as c.1360A>C), located in coding exon 10 of the BUB1B gene, results from an A to C substitution at nucleotide position 1360. The lysine at codon 454 is replaced by glutamine, an amino acid with similar properties. This amino acid position is conserved. In addition, this alteration is predicted to be tolerated by in silico analysis. Based on the available evidence, the clinical significance of this variant remains unclear.

NM_001211.6(BUB1B):c.1360A>C (p.Lys454Gln)

Gene: BUB1B (BUB1 mitotic checkpoint serine/threonine kinase B; plus strand). Cytogenetic location: 15q15.1.
Variant type: single nucleotide variant.
Coding change: c.1360A>C on transcript NM_001211.6 (MANE Select); coding-DNA position 1360, A replaced by C.
Protein change: p.Lys454Gln; replaces lysine 454 with glutamine.
Molecular consequence: missense variant.
Genome position (GRCh38, 1-based): chr15:40,199,686, A>C. VCF-style: chr15-40199686-A-C. GRCh37 (hg19) VCF-style: chr15-40491887-A-C.
Other names: short protein forms K454Q.
Identifiers: ClinVar variation 4842706 (VCV004842706.1).